The following is an entry in ClinVar:

NM_006517.5(SLC16A2):c.197A>G (p.Glu66Gly)

Gene: SLC16A2 (solute carrier family 16 member 2; plus strand). Cytogenetic location: Xq13.2.
Variant type: single nucleotide variant.
Coding change: c.197A>G on transcript NM_006517.5 (MANE Select); coding-DNA position 197, A replaced by G.
Protein change: p.Glu66Gly; replaces glutamic acid 66 with glycine.
Molecular consequence: missense variant.
Genome position (GRCh38, 1-based): chrX:74,421,834, A>G. VCF-style: chrX-74421834-A-G. GRCh37 (hg19) VCF-style: chrX-73641669-A-G.
Other names: short protein forms E66G.
Identifiers: ClinVar variation 2162992 (VCV002162992.4), dbSNP rs1260477936, ClinGen allele CA413655977.

ClinVar aggregate classification (germline): Uncertain significance (1 of 4 stars; one submission).

Conditions:
Spastic paraplegia. Identifiers: MedGen C0037772, HP:0001258.

Allele frequency attached by ClinVar (database versions not stated): gnomAD exomes below 0.00001.
gnomAD v4.1: 1 of 1,195,934 alleles (0.000084%); highest among the groups gnomAD compares: African/African-American, 0.0017%; no homozygotes.

Submission:

Labcorp Genetics (formerly Invitae), Labcorp
Classification: Uncertain significance for Spastic paraplegia. Last evaluated: 2022-01-16. Review status: criteria provided, single submitter. Criteria: Invitae Variant Classification Sherloc (09022015). Collection method: clinical testing. Allele origin: germline.
Comment: In summary, the available evidence is currently insufficient to determine the role of this variant in disease. Therefore, it has been classified as a Variant of Uncertain Significance. Advanced modeling of protein sequence and biophysical properties (such as structural, functional, and spatial information, amino acid conservation, physicochemical variation, residue mobility, and thermodynamic stability) performed at Invitae indicates that this missense variant is not expected to disrupt SLC16A2 protein function. This variant has not been reported in the literature in individuals affected with SLC16A2-related conditions. The frequency data for this variant in the population databases is considered unreliable, as metrics indicate poor data quality at this position in the gnomAD database. This sequence change replaces glutamic acid, which is acidic and polar, with glycine, which is neutral and non-polar, at codon 66 of the SLC16A2 protein (p.Glu66Gly).